The following is an entry in ClinVar:

ClinVar aggregate classification (germline): Uncertain significance (1 of 4 stars; one submission).

gnomAD v4.1: 1 of 1,554,360 alleles (0.000064%); highest among the groups gnomAD compares: Non-Finnish European, 0.000087%; no homozygotes.

Submission:

Women's Health and Genetics/Laboratory Corporation of America, LabCorp
Classification: Uncertain significance. Last evaluated: 2025-02-18. Review status: criteria provided, single submitter. Criteria: LabCorp Variant Classification Summary - May 2015. Collection method: clinical testing. Allele origin: germline.
Comment: Variant summary: ITPR1 c.4880A>C (p.Asp1627Ala) results in a non-conservative amino acid change in the encoded protein sequence. Three of five in-silico tools predict a damaging effect of the variant on protein function. The variant was absent in 161470 control chromosomes. The available data on variant occurrences in the general population are insufficient to allow any conclusion about variant significance. To our knowledge, no occurrence of c.4880A>C in individuals affected with Spinocerebellar Ataxia 29 and no experimental evidence demonstrating its impact on protein function have been reported. No submitters have cited clinical-significance assessments for this variant to ClinVar. Based on the evidence outlined above, the variant was classified as uncertain significance.

NM_001378452.1(ITPR1):c.4952A>C (p.Asp1651Ala)

Genes: BRRIAR (BHLHE40 and RIG-I regulating ITPR1 antisense RNA; minus strand), ITPR1 (inositol 1,4,5-trisphosphate receptor type 1; plus strand). Cytogenetic location: 3p26.1.
Variant type: single nucleotide variant.
Coding change: c.4952A>C on transcript NM_001378452.1 (MANE Select); coding-DNA position 4952, A replaced by C.
Protein change: p.Asp1651Ala; replaces aspartic acid 1651 with alanine.
Molecular consequence: missense variant.
Genome position (GRCh38, 1-based): chr3:4,710,434, A>C. VCF-style: chr3-4710434-A-C. GRCh37 (hg19) VCF-style: chr3-4752118-A-C.
Other names: c.4925A>C, p.Asp1642Ala (NM_001099952.4); c.4907A>C, p.Asp1636Ala (NM_001168272.2); c.4880A>C, p.Asp1627Ala (NM_002222.7); short protein forms D1627A, D1636A, D1642A, D1651A.
Identifiers: ClinVar variation 3768984 (VCV003768984.1).